The following is an entry in ClinVar:

ClinVar aggregate classification (germline): Uncertain significance (1 of 4 stars; one submission).

Conditions:
Hereditary cancer-predisposing syndrome. Also called: Neoplastic Syndromes, Hereditary; Tumor predisposition; Hereditary neoplastic syndrome; Hereditary Cancer Syndrome. Identifiers: Orphanet 140162, MedGen C0027672, MeSH D009386, MONDO:0015356.

Submission:

Ambry Genetics
Classification: Uncertain significance for Hereditary cancer-predisposing syndrome. Last evaluated: 2023-12-13. Review status: criteria provided, single submitter. Criteria: Ambry Variant Classification Scheme 2023. Collection method: clinical testing. Allele origin: germline.
Comment: The p.S572T variant (also known as c.1714T>A), located in coding exon 9 of the MEN1 gene, results from a T to A substitution at nucleotide position 1714. The serine at codon 572 is replaced by threonine, an amino acid with similar properties. This amino acid position is conserved. In addition, the in silico prediction for this alteration is inconclusive. Since supporting evidence is limited at this time, the clinical significance of this alteration remains unclear.

NM_001370259.2(MEN1):c.1714T>A (p.Ser572Thr)

Gene: MEN1 (menin 1; minus strand). Cytogenetic location: 11q13.1.
Variant type: single nucleotide variant.
Coding change: c.1714T>A on transcript NM_001370259.2 (MANE Select); coding-DNA position 1714, T replaced by A.
Protein change: p.Ser572Thr; replaces serine 572 with threonine.
Molecular consequence: missense variant. On other transcripts: non-coding transcript variant (4).
Genome position (GRCh38, 1-based): chr11:64,804,453, A>T on the plus strand (T>A on the coding strand, the complement: MEN1 is on the minus strand). VCF-style: chr11-64804453-A-T. GRCh37 (hg19) VCF-style: chr11-64571925-A-T.
Other names: c.1729T>A, p.Ser577Thr (NM_000244.4, NM_001407145.1, NM_130800.3 and 4 more transcripts); c.1840T>A, p.Ser614Thr (NM_001370251.2, NM_001407142.1, NM_001407143.1 and 1 more transcripts); c.1714T>A, p.Ser572Thr (NM_001370260.2, NM_001370261.2, NM_001407146.1 and 2 more transcripts); c.1609T>A, p.Ser537Thr (NM_001370262.2, NM_001370263.2, NM_001407148.1 and 1 more transcripts); c.1855T>A, p.Ser619Thr (NM_001407150.1); c.1735T>A, p.Ser579Thr (NM_001407151.1); c.1549T>A, p.Ser517Thr (NM_001407152.1); short protein forms S517T, S537T, S572T, S577T, S579T, S614T, S619T.
Identifiers: ClinVar variation 3229079 (VCV003229079.1), dbSNP rs2497104155, ClinGen allele CA381177604.
Genomic context (GRCh38, chr11:64,804,453, plus strand): 5'-CTTTCTGCTTCTTCATCTGCACTTGCGACTGTGCCGTGAGTTGCAGCTTGATGGCGCTCG[A>T]GTTGATCTTGGTGGCCACCAGCAGCTCCTTCATGCCCTTCATCTTCTCACTCTGGAAAGT-3'
Protein context (NP_001357188.2, residues 562-582): KELLVATKIN[Ser572Thr]SAIKLQLTAQ